The following is an entry in ClinVar:

ClinVar aggregate classification (germline): Conflicting classifications of pathogenicity. Review status: criteria provided, conflicting classifications (1 of 4 stars). 2 submissions from 2 submitters: Uncertain significance (1); Likely benign (1). Last evaluated 2024-07-29.

Conditions:
Hereditary cancer-predisposing syndrome. Also called: Tumor predisposition; Neoplastic Syndromes, Hereditary; Hereditary Cancer Syndrome; Hereditary neoplastic syndrome. Identifiers: Orphanet 140162, MedGen C0027672, MeSH D009386, MONDO:0015356.
Hereditary diffuse gastric adenocarcinoma (HDGC). Also called: DIFFUSE GASTRIC AND LOBULAR BREAST CANCER SYNDROME. Identifiers: Orphanet 26106, MedGen C1708349, MONDO:0007648, OMIM 137215.

Submissions (2):

Ambry Genetics
Classification: Likely benign for Hereditary cancer-predisposing syndrome. Last evaluated: 2024-07-29. Review status: criteria provided, single submitter. Criteria: Ambry Variant Classification Scheme 2023. Collection method: clinical testing. Allele origin: germline.

Labcorp Genetics (formerly Invitae), Labcorp
Classification: Uncertain significance for Hereditary diffuse gastric adenocarcinoma. Last evaluated: 2021-08-08. Review status: criteria provided, single submitter. Criteria: Invitae Variant Classification Sherloc (09022015). Collection method: clinical testing. Allele origin: germline.
Comment: In summary, the available evidence is currently insufficient to determine the role of this variant in disease. Therefore, it has been classified as a Variant of Uncertain Significance. Algorithms developed to predict the effect of missense changes on protein structure and function are either unavailable or do not agree on the potential impact of this missense change (SIFT: "Deleterious"; PolyPhen-2: "Probably Damaging"; Align-GVGD: "Class C0"). This variant has not been reported in the literature in individuals with CDH1-related disease. ClinVar contains an entry for this variant (Variation ID: 479516). This variant is not present in population databases (ExAC no frequency). This sequence change replaces lysine with asparagine at codon 184 of the CDH1 protein (p.Lys184Asn). The lysine residue is highly conserved and there is a moderate physicochemical difference between lysine and asparagine.

NM_004360.5(CDH1):c.552A>C (p.Lys184Asn)

Gene: CDH1 (cadherin 1; plus strand). Cytogenetic location: 16q22.1.
Variant type: single nucleotide variant.
Coding change: c.552A>C on transcript NM_004360.5 (MANE Select); coding-DNA position 552, A replaced by C.
Protein change: p.Lys184Asn; replaces lysine 184 with asparagine.
Molecular consequence: missense variant. On other transcripts: 5 prime UTR variant (2).
Genome position (GRCh38, 1-based): chr16:68,808,713, A>C. VCF-style: chr16-68808713-A-C. GRCh37 (hg19) VCF-style: chr16-68842616-A-C.
Other names: c.552A>C (LRG_301t1); c.552A>C, p.Lys184Asn (NM_001317184.2); c.-1064A>C (NM_001317185.2); c.-1268A>C (NM_001317186.2); short protein forms K184N.
Identifiers: ClinVar variation 479516 (VCV000479516.15), dbSNP rs1555515248, ClinGen allele CA396457883.